The following is an entry in ClinVar:

NM_001367561.1(DOCK7):c.5477G>A (p.Ser1826Asn)

Gene: DOCK7 (dedicator of cytokinesis 7; minus strand). Cytogenetic location: 1p31.3.
Variant type: single nucleotide variant.
Coding change: c.5477G>A on transcript NM_001367561.1 (MANE Select); coding-DNA position 5477, G replaced by A.
Protein change: p.Ser1826Asn; replaces serine 1826 with asparagine.
Molecular consequence: missense variant.
Genome position (GRCh38, 1-based): chr1:62,488,950, C>T on the plus strand (G>A on the coding strand, the complement: DOCK7 is on the minus strand). VCF-style: chr1-62488950-C-T. GRCh37 (hg19) VCF-style: chr1-62954621-C-T.
Other names: c.5450G>A, p.Ser1817Asn (NM_001271999.2, NM_001330614.2); c.5357G>A, p.Ser1786Asn (NM_001272000.2, NM_001272001.2); c.5384G>A, p.Ser1795Asn (NM_033407.4); c.5384G>A (NM_033407.2); short protein forms S1795N, S1817N, S1786N, S1826N.
Identifiers: ClinVar variation 541914 (VCV000541914.7), dbSNP rs182780540, ClinGen allele CA885463.

ClinVar aggregate classification (germline): Uncertain significance. Review status: criteria provided, multiple submitters, no conflicts (2 of 4 stars). 3 submissions from 3 submitters: Uncertain significance (3). Last evaluated 2025-12-09.

Conditions:
Inborn genetic diseases. Identifiers: MedGen C0950123, MeSH D030342.
Developmental and epileptic encephalopathy, 23 (DEE23). Also called: Epileptic encephalopathy, early infantile, 23. Identifiers: Orphanet 411986, MedGen C4014492, MONDO:0014371, OMIM 615859.

Allele frequency attached by ClinVar (database versions not stated): gnomAD exomes 0.00004 and 0.00001; TOPMed 0.00004; gnomAD 0.00006 and 0.00007; 1000 Genomes Project 0.00040; 1000 Genomes Project 30x 0.00047; ExAC 0.00002.
gnomAD v4.1: 26 of 1,613,520 alleles (0.0016%); highest among the groups gnomAD compares: Admixed American, 0.042%; no homozygotes.

Submissions (3):

Ambry Genetics
Classification: Uncertain significance for Inborn genetic diseases. Last evaluated: 2025-12-09. Review status: criteria provided, single submitter. Criteria: Ambry Variant Classification Scheme 2023. Collection method: clinical testing. Allele origin: germline.

Labcorp Genetics (formerly Invitae), Labcorp
Classification: Uncertain significance for Developmental and epileptic encephalopathy, 23. Last evaluated: 2024-04-30. Review status: criteria provided, single submitter. Criteria: Invitae Variant Classification Sherloc (09022015). Collection method: clinical testing. Allele origin: germline.
Comment: This sequence change replaces serine, which is neutral and polar, with asparagine, which is neutral and polar, at codon 1817 of the DOCK7 protein (p.Ser1817Asn). This variant is present in population databases (rs182780540, gnomAD 0.02%). This variant has not been reported in the literature in individuals affected with DOCK7-related conditions. ClinVar contains an entry for this variant (Variation ID: 541914). Advanced modeling of protein sequence and biophysical properties (such as structural, functional, and spatial information, amino acid conservation, physicochemical variation, residue mobility, and thermodynamic stability) performed at Invitae indicates that this missense variant is not expected to disrupt DOCK7 protein function with a negative predictive value of 80%. In summary, the available evidence is currently insufficient to determine the role of this variant in disease. Therefore, it has been classified as a Variant of Uncertain Significance.

GeneDx
Classification: Uncertain significance. Last evaluated: 2024-03-06. Review status: criteria provided, single submitter. Criteria: GeneDx Variant Classification Process June 2021. Collection method: clinical testing. Allele origin: germline. Affected: yes.
Comment: In silico analysis supports that this missense variant does not alter protein structure/function; Has not been previously published as pathogenic or benign to our knowledge